The following is an entry in ClinVar:

ClinVar aggregate classification (germline): Conflicting classifications of pathogenicity. Review status: criteria provided, conflicting classifications (1 of 4 stars). 3 submissions from 3 submitters: Uncertain significance (2); Likely benign (1). Last evaluated 2026-08-21.

Conditions:
SETX-related disorder. Also called: SETX-related disorders; SETX-related condition. Identifiers: MedGen CN239403.
Amyotrophic lateral sclerosis type 4 (ALS4). Also called: AMYOTROPHIC LATERAL SCLEROSIS 4, JUVENILE; NEURONOPATHY, DISTAL HEREDITARY MOTOR, WITH PYRAMIDAL FEATURES. Identifiers: Orphanet 357043, MedGen C1865409, MONDO:0011223, OMIM 602433.
Spinocerebellar ataxia, autosomal recessive, with axonal neuropathy 2 (SCAN2). Also called: ATAXIA-OCULOMOTOR APRAXIA 2; Ataxia with Oculomotor Apraxia Type 2; Ataxia-ocular apraxia-2; Ataxia with Oculomotor Apraxia. Identifiers: Orphanet 64753, MedGen C1853761, MONDO:0018996, OMIM 606002.

gnomAD v4.1: 2 of 1,614,090 alleles (0.00012%); highest among the groups gnomAD compares: Non-Finnish European, 0.00017%; no homozygotes.

Submissions (3):

PreventionGenetics, part of Exact Sciences
Classification: Uncertain significance for SETX-related condition. Last evaluated: 2026-08-21. Review status: criteria provided, single submitter. Criteria: ACMG Guidelines, 2015. Collection method: clinical testing. Allele origin: germline.
Comment: The SETX c.5009A>G variant is predicted to result in the amino acid substitution p.Gln1670Arg. To our knowledge, this variant has not been reported in the literature. This variant is reported in 0.0015% of alleles in individuals of European (Non-Finnish) descent in gnomAD. At this time, the clinical significance of this variant is uncertain due to the absence of conclusive functional and genetic evidence.

Labcorp Genetics (formerly Invitae), Labcorp
Classification: Likely benign for Amyotrophic lateral sclerosis type 4; Spinocerebellar ataxia, autosomal recessive, with axonal neuropathy 2. Last evaluated: 2025-11-24. Review status: criteria provided, single submitter. Criteria: Invitae Variant Classification Sherloc (09022015). Collection method: clinical testing. Allele origin: germline.

Athena Diagnostics
Classification: Uncertain significance. Last evaluated: 2023-10-21. Review status: criteria provided, single submitter. Criteria: Athena Diagnostics Criteria. Collection method: clinical testing. Allele origin: unknown.
Comment: Available data are insufficient to determine the clinical significance of the variant at this time. The frequency of this variant in the general population is uninformative in assessment of its pathogenicity. Computational tools predict that this variant is not damaging.

NM_015046.7(SETX):c.5009A>G (p.Gln1670Arg)

Gene: SETX (senataxin; minus strand). Cytogenetic location: 9q34.13.
Variant type: single nucleotide variant.
Coding change: c.5009A>G on transcript NM_015046.7 (MANE Select); coding-DNA position 5009, A replaced by G.
Protein change: p.Gln1670Arg; replaces glutamine 1670 with arginine.
Molecular consequence: missense variant.
Genome position (GRCh38, 1-based): chr9:132,326,589, T>C on the plus strand (A>G on the coding strand, the complement: SETX is on the minus strand). VCF-style: chr9-132326589-T-C. GRCh37 (hg19) VCF-style: chr9-135201976-T-C.
Other names: c.5009A>G, p.Gln1670Arg (NM_001351527.2, NM_001351528.2); short protein forms Q1670R.
Identifiers: ClinVar variation 3571884 (VCV003571884.3).